The following is an entry in ClinVar:

NM_206933.4(USH2A):c.4837dup (p.Ile1613fs)

Gene: USH2A (usherin; minus strand). Cytogenetic location: 1q41.
Variant type: Duplication.
Coding change: c.4837dup on transcript NM_206933.4 (MANE Select); coding-DNA position 4837, one base duplicated (A; older notation c.4837dupA).
Protein change: p.Ile1613fs; shifts the reading frame from isoleucine 1613.
Molecular consequence: frameshift variant.
Genome position (GRCh38, 1-based): chr1:216,089,061, T duplicated on the plus strand (A on the coding strand, the reverse complement: USH2A is on the minus strand). VCF-style (leftmost placement, unchanged base first): chr1-216089060-A-AT. GRCh37 (hg19) VCF-style: chr1-216262402-A-AT.
Other names: short protein forms I1613fs.
Identifiers: ClinVar variation 1071259 (VCV001071259.7), dbSNP rs2032220637, ClinGen allele CA1012210510.

ClinVar aggregate classification (germline): Pathogenic (1 of 4 stars; one submission).

Allele frequency attached by ClinVar (database versions not stated): TOPMed below 0.00001; gnomAD 0.00001.

Submission:

Labcorp Genetics (formerly Invitae), Labcorp
Classification: Pathogenic. Last evaluated: 2022-10-13. Review status: criteria provided, single submitter. Criteria: Invitae Variant Classification Sherloc (09022015). Collection method: clinical testing. Allele origin: germline.
Comment: For these reasons, this variant has been classified as Pathogenic. ClinVar contains an entry for this variant (Variation ID: 1071259). This variant has not been reported in the literature in individuals affected with USH2A-related conditions. This variant is not present in population databases (gnomAD no frequency). This sequence change creates a premature translational stop signal (p.Ile1613Asnfs*2) in the USH2A gene. It is expected to result in an absent or disrupted protein product. Loss-of-function variants in USH2A are known to be pathogenic (PMID: 10729113, 10909849, 20507924, 25649381).

Literature cited by the submitters: PubMed 10729113; PubMed 10909849; PubMed 20507924; PubMed 25649381.